The following is an entry in ClinVar:

NM_021625.5(TRPV4):c.695G>A (p.Arg232His)

Gene: TRPV4 (transient receptor potential cation channel subfamily V member 4; minus strand). Cytogenetic location: 12q24.11.
Variant type: single nucleotide variant.
Coding change: c.695G>A on transcript NM_021625.5 (MANE Select); coding-DNA position 695, G replaced by A.
Protein change: p.Arg232His; replaces arginine 232 with histidine.
Molecular consequence: missense variant.
Genome position (GRCh38, 1-based): chr12:109,803,008, C>T on the plus strand (G>A on the coding strand, the complement: TRPV4 is on the minus strand). VCF-style: chr12-109803008-C-T. GRCh37 (hg19) VCF-style: chr12-110240813-C-T.
Other names: c.695G>A, p.Arg232His (NM_001177428.2, NM_001177433.2, NM_147204.3); c.593G>A, p.Arg198His (NM_001177431.2); short protein forms R232H, R198H.
Identifiers: ClinVar variation 246538 (VCV000246538.7), dbSNP rs769107613, ClinGen allele CA6780472.
Genomic context (GRCh38, chr12:109,803,008, plus strand): 5'-TCCATCAGCCCCCGTGGCACCCCTGCCCAGCCCGGGGCCCCACCTCGATAGTAGATGTCA[C>T]GGAAGGGCGAGTTAATGAACTCCCTCATGTTGCCGGTGCGCTCCGCGATGTCCAGCAGCA-3'
Protein context (NP_067638.3, residues 222-242): NMREFINSPF[Arg232His]DIYYRGQTAL

ClinVar aggregate classification (germline): Conflicting classifications of pathogenicity. Review status: criteria provided, conflicting classifications (1 of 4 stars). 3 submissions from 3 submitters: Likely pathogenic (1); Uncertain significance (2). Last evaluated 2025-11-03.

Conditions:
Charcot-Marie-Tooth disease axonal type 2C (HMSN2C). Also called: Charcot-Marie-Tooth Disease Type 2, TRPV4-Related (CMT2C); CHARCOT-MARIE-TOOTH DISEASE, AXONAL, AUTOSOMAL DOMINANT, TYPE 2C; Charcot-Marie-Tooth Neuropathy Type 2C. Identifiers: Orphanet 99937, MedGen C1853710, MONDO:0011633, OMIM 606071.

Allele frequency attached by ClinVar (database versions not stated): ExAC 0.00001; gnomAD exomes 0.00001.
gnomAD v4.1: 8 of 1,614,014 alleles (0.0005%); highest among the groups gnomAD compares: Admixed American, 0.0033%; no homozygotes.

Submissions (3):

Labcorp Genetics (formerly Invitae), Labcorp
Classification: Likely pathogenic for Charcot-Marie-Tooth disease axonal type 2C. Last evaluated: 2025-11-03. Review status: criteria provided, single submitter. Criteria: Invitae Variant Classification Sherloc (09022015). Collection method: clinical testing. Allele origin: germline.
Comment: This sequence change replaces arginine, which is basic and polar, with histidine, which is basic and polar, at codon 232 of the TRPV4 protein (p.Arg232His). This variant is present in population databases (rs769107613, gnomAD 0.006%). This variant has not been reported in the literature in individuals affected with TRPV4-related conditions. ClinVar contains an entry for this variant (Variation ID: 246538). Invitae Evidence Modeling of protein sequence and biophysical properties (such as structural, functional, and spatial information, amino acid conservation, physicochemical variation, residue mobility, and thermodynamic stability) indicates that this missense variant is expected to disrupt TRPV4 protein function with a positive predictive value of 95%. This variant disrupts the p.Arg232 amino acid residue in TRPV4. Other variant(s) that disrupt this residue have been determined to be pathogenic (PMID: 22526352, 22702953, 24789864, 26048687). This suggests that this residue is clinically significant, and that variants that disrupt this residue are likely to be disease-causing. In summary, the currently available evidence indicates that the variant is pathogenic, but additional data are needed to prove that conclusively. Therefore, this variant has been classified as Likely Pathogenic.

Genomic Medicine Center of Excellence, King Faisal Specialist Hospital and Research Centre
Classification: Uncertain significance for Charcot-Marie-Tooth disease axonal type 2C. Last evaluated: 2024-04-04. Review status: criteria provided, single submitter. Criteria: ACMG Guidelines, 2015. Collection method: clinical testing. Allele origin: germline.

GeneDx
Classification: Uncertain significance. Last evaluated: 2016-04-08. Review status: criteria provided, single submitter. Criteria: GeneDx Variant Classification (06012015). Collection method: clinical testing. Allele origin: germline. Affected: yes.
Comment: The R232H variant has not been published as a pathogenic variant, nor has it been reported as a benign variant to our knowledge. It was not observed in approximately 6,500 individuals of European and African American ancestry in the NHLBI Exome Sequencing Project, indicating it is not a common benign variant in these populations. This substitution occurs at a position that is conserved across species. Different missense variants in the same residue (R232C, R232S) as well as missense variants in a nearby residue (R237G, R237L) have been reported in the Human Gene Mutation Database in association with TRPV4-related disorders (Stenson et al., 2014). However, the R232H variant is a conservative amino acid substitution, which is not likely to impact secondary protein structure as these residues share similar properties. In silico analysis is inconsistent in its predictions as to whether or not the variant is damaging to the protein structure/function. Therefore, based on the currently available information, it is unclear whether this variant is a pathogenic variant or a rare benign variant.

Literature cited by the submitters: PubMed 22526352 (cited by Labcorp Genetics (formerly Invitae), Labcorp); PubMed 22702953 (cited by Labcorp Genetics (formerly Invitae), Labcorp); PubMed 24789864 (cited by Labcorp Genetics (formerly Invitae), Labcorp); PubMed 26048687 (cited by Labcorp Genetics (formerly Invitae), Labcorp).